The following is an entry in ClinVar:

NM_001354483.2(CSGALNACT1):c.1397G>A (p.Arg466Gln)

Gene: CSGALNACT1 (chondroitin sulfate N-acetylgalactosaminyltransferase 1; minus strand). Cytogenetic location: 8p21.3.
Variant type: single nucleotide variant.
Coding change: c.1397G>A on transcript NM_001354483.2 (MANE Select); coding-DNA position 1397, G replaced by A.
Protein change: p.Arg466Gln; replaces arginine 466 with glutamine.
Molecular consequence: missense variant. On other transcripts: non-coding transcript variant (7).
Genome position (GRCh38, 1-based): chr8:19,405,982, C>T on the plus strand (G>A on the coding strand, the complement: CSGALNACT1 is on the minus strand). VCF-style: chr8-19405982-C-T. GRCh37 (hg19) VCF-style: chr8-19263493-C-T.
Other names: c.1397G>A (NM_001130518.1); c.1397G>A, p.Arg466Gln (NM_001130518.2, NM_001354475.2, NM_001354476.2 and 18 more transcripts); short protein forms R466Q.
Identifiers: ClinVar variation 2141784 (VCV002141784.5), dbSNP rs199989662, ClinGen allele CA4653773.
Genomic context (GRCh38, chr8:19,405,982, plus strand): 5'-GTCAGCTCGTCCATGCAGCGCTTCTCATGCCAGAGGTGGAAGAGTCCTCGCACAGGCGTC[C>T]GTACCACTATGAGGTTGCTGTGGAGATACTTGCGATAAAGGTGCACATCCTCTCCGCCCC-3'
Protein context (NP_001341412.1, residues 456-476): KYLHSNLIVV[Arg466Gln]TPVRGLFHLW

ClinVar aggregate classification (germline): Uncertain significance. Review status: criteria provided, multiple submitters, no conflicts (2 of 4 stars). 2 submissions from 2 submitters: Uncertain significance (2). Last evaluated 2025-11-05.

Conditions:
Inborn genetic diseases. Identifiers: MedGen C0950123, MeSH D030342.

Allele frequency attached by ClinVar (database versions not stated): ExAC 0.00002; gnomAD 0.00005; TOPMed 0.00008; gnomAD exomes 0.00010; 1000 Genomes Project 30x 0.00016; 1000 Genomes Project 0.00020.
gnomAD v4.1: 152 of 1,614,166 alleles (0.0094%); highest among the groups gnomAD compares: Non-Finnish European, 0.012%; no homozygotes.

Submissions (2):

Ambry Genetics
Classification: Uncertain significance for Inborn genetic diseases. Last evaluated: 2025-11-05. Review status: criteria provided, single submitter. Criteria: Ambry Variant Classification Scheme 2023. Collection method: clinical testing. Allele origin: germline.

Labcorp Genetics (formerly Invitae), Labcorp
Classification: Uncertain significance. Last evaluated: 2022-05-16. Review status: criteria provided, single submitter. Criteria: Invitae Variant Classification Sherloc (09022015). Collection method: clinical testing. Allele origin: germline.
Comment: In summary, the available evidence is currently insufficient to determine the role of this variant in disease. Therefore, it has been classified as a Variant of Uncertain Significance. This sequence change replaces arginine, which is basic and polar, with glutamine, which is neutral and polar, at codon 466 of the CSGALNACT1 protein (p.Arg466Gln). This variant is present in population databases (rs199989662, gnomAD 0.006%). This variant has not been reported in the literature in individuals affected with CSGALNACT1-related conditions. Algorithms developed to predict the effect of missense changes on protein structure and function (SIFT, PolyPhen-2, Align-GVGD) all suggest that this variant is likely to be disruptive.